The following is an entry in ClinVar:

ClinVar aggregate classification (germline): Benign. Review status: criteria provided, single submitter (1 of 4 stars). 2 submissions from 2 submitters: Benign (1). 1 of the submissions does not count toward it. Last evaluated 2025-06-27.

Conditions:
TRNT1-related disorder. Also called: TRNT1-related disorders; TRNT1-related condition.
Congenital sideroblastic anemia-B-cell immunodeficiency-periodic fever-developmental delay syndrome. Also called: Sideroblastic anemia with B-cell immunodeficiency, periodic fevers, and developmental delay. Identifiers: Orphanet 369861, MedGen C4015172, MONDO:0014487, OMIM 616084.

Allele frequency attached by ClinVar (database versions not stated): TOPMed below 0.00001; gnomAD 0.00004 and 0.00011; gnomAD exomes 0.00011 and 0.00028; ExAC 0.00025; 1000 Genomes Project 30x 0.00078; 1000 Genomes Project 0.00080.
gnomAD v4.1: 186 of 1,614,006 alleles (0.012%); highest among the groups gnomAD compares: South Asian, 0.17%; 1 homozygote.

Submissions (2):

Labcorp Genetics (formerly Invitae), Labcorp
Classification: Benign for Congenital sideroblastic anemia-B-cell immunodeficiency-periodic fever-developmental delay syndrome. Last evaluated: 2025-06-27. Review status: criteria provided, single submitter. Criteria: Invitae Variant Classification Sherloc (09022015). Collection method: clinical testing. Allele origin: germline.

PreventionGenetics, part of Exact Sciences
Classification: Likely benign for TRNT1-related condition. Last evaluated: 2020-03-03. Review status: no assertion criteria provided. Collection method: clinical testing. Allele origin: germline. Not counted in ClinVar's aggregate classification.
Comment: This variant is classified as likely benign based on ACMG/AMP sequence variant interpretation guidelines (Richards et al. 2015 PMID: 25741868, with internal and published modifications).

NM_182916.3(TRNT1):c.744T>C (p.Gly248=)

Gene: TRNT1 (tRNA nucleotidyl transferase 1; plus strand). Cytogenetic location: 3p26.2.
Variant type: single nucleotide variant.
Coding change: c.744T>C on transcript NM_182916.3 (MANE Select); coding-DNA position 744, T replaced by C.
Protein change: p.Gly248=; no amino-acid change (glycine 248 retained).
Molecular consequence: synonymous variant. On other transcripts: non-coding transcript variant (6), splice donor variant (1).
Genome position (GRCh38, 1-based): chr3:3,146,565, T>C. VCF-style: chr3-3146565-T-C. GRCh37 (hg19) VCF-style: chr3-3188249-T-C.
Other names: c.744T>C, p.Gly248= (NM_001367321.1, NM_001367322.1, NM_001367323.1); c.742+2T>C (NM_001302946.2, NM_001302946.1).
Identifiers: ClinVar variation 1169486 (VCV001169486.9), dbSNP rs201105941, ClinGen allele CA2228765.